The following is an entry in ClinVar:

ClinVar aggregate classification (germline): Uncertain significance (1 of 4 stars; one submission).

Conditions:
Familial meningioma. Also called: Meningioma, familial, susceptibility to. Identifiers: Orphanet 263662, MedGen C3551915, MONDO:0011789, OMIM 607174.

Submission:

Labcorp Genetics (formerly Invitae), Labcorp
Classification: Uncertain significance for Familial meningioma. Last evaluated: 2019-04-20. Review status: criteria provided, single submitter. Criteria: Invitae Variant Classification Sherloc (09022015). Collection method: clinical testing. Allele origin: germline.
Comment: This sequence change results in a frameshift in the SMARCE1 gene (p.Ser317Lysfs*132). While this is not anticipated to result in nonsense mediated decay, it is expected to disrupt the last 95 amino acids of the SMARCE1 protein and extend the protein by an additional 36 amino acids. This variant is not present in population databases (ExAC no frequency). This variant has not been reported in the literature in individuals with SMARCE1-related conditions. In summary, the available evidence is currently insufficient to determine the role of this variant in disease. Therefore, it has been classified as a Variant of Uncertain Significance.

NM_003079.5(SMARCE1):c.930_949dup (p.Ser317fs)

Gene: SMARCE1 (SWI/SNF related BAF chromatin remodeling complex subunit E1; minus strand). Cytogenetic location: 17q21.2.
Variant type: Duplication.
Coding change: c.930_949dup on transcript NM_003079.5 (MANE Select); coding-DNA positions 930 to 949, 20 bases duplicated (AGCTGAGCGCAGTCAGAGCA).
Protein change: p.Ser317fs; shifts the reading frame from serine 317.
Molecular consequence: frameshift variant.
Genome position (GRCh38, 1-based): chr17:40,630,792-40,630,811, TGCTCTGACTGCGCTCAGCT duplicated on the plus strand (AGCTGAGCGCAGTCAGAGCA on the coding strand, the reverse complement: SMARCE1 is on the minus strand); duplicating any 20 consecutive bases within chr17:40,630,792-40,630,818 gives the same sequence; the c. name uses the placement nearest the transcript's 3' end. VCF-style (leftmost placement, unchanged base first): chr17-40630791-C-CTGCTCTGACTGCGCTCAGCT. GRCh37 (hg19) VCF-style: chr17-38787043-C-CTGCTCTGACTGCGCTCAGCT.
Other names: short protein forms S317fs.
Identifiers: ClinVar variation 838737 (VCV000838737.7), dbSNP rs2037085970, ClinGen allele CA916083536.
Genomic context (GRCh38, chr17:40,630,791, plus strand): 5'-TTCTCGTCGTCTTTCTTCTCCTCGCCTTTGTTAGCTGCTTGTTCTTCCTCAGGAACGATG[C>CTGCTCTGACTGCGCTCAGCT]TGCTCTGACTGCGCTCAGCTTGCTCTGCGGCCTCCTTCTCCCTTTCCTCCTGCCTTTTGC-3'